The following is an entry in ClinVar:

NM_001037.5(SCN1B):c.-226C>T

Genes: SCN1B (sodium voltage-gated channel beta subunit 1; plus strand), LOC130064204 (ATAC-STARR-seq lymphoblastoid silent region 10514; plus strand). Cytogenetic location: 19q13.11.
Variant type: single nucleotide variant.
Coding change: c.-226C>T on transcript NM_001037.5 (MANE Select); 226 bases upstream of the start codon, C replaced by T.
Molecular consequence: 5 prime UTR variant.
Genome position (GRCh38, 1-based): chr19:35,030,595, C>T. VCF-style: chr19-35030595-C-T. GRCh37 (hg19) VCF-style: chr19-35521499-C-T.
Other names: c.-226C>T (NM_199037.5).
Identifiers: ClinVar variation 675777 (VCV000675777.1), dbSNP rs77001837, ClinGen allele CA307702752.

ClinVar aggregate classification (germline): Likely benign (1 of 4 stars; one submission).

Allele frequency attached by ClinVar (database versions not stated): gnomAD exomes 0.00127; gnomAD 0.00794; TOPMed 0.00814; 1000 Genomes Project 30x 0.01077.
gnomAD v4.1: 1,100 of 152,202 alleles (0.72%); highest among the groups gnomAD compares: African/African-American, 2.3%; 15 homozygotes.

Submission:

GeneDx
Classification: Likely benign. Last evaluated: 2018-06-14. Review status: criteria provided, single submitter. Criteria: GeneDx Variant Classification (06012015). Collection method: clinical testing. Allele origin: germline. Affected: yes.
Comment: This variant is considered likely benign or benign based on one or more of the following criteria: it is a conservative change, it occurs at a poorly conserved position in the protein, it is predicted to be benign by multiple in silico algorithms, and/or has population frequency not consistent with disease.